The following is an entry in ClinVar:

NM_000276.4(OCRL):c.1433A>G (p.Lys478Arg)

Gene: OCRL (OCRL inositol polyphosphate-5-phosphatase; plus strand). Cytogenetic location: Xq26.1.
Variant type: single nucleotide variant.
Coding change: c.1433A>G on transcript NM_000276.4 (MANE Select); coding-DNA position 1433, A replaced by G.
Protein change: p.Lys478Arg; replaces lysine 478 with arginine.
Molecular consequence: missense variant.
Genome position (GRCh38, 1-based): chrX:129,567,330, A>G. VCF-style: chrX-129567330-A-G. GRCh37 (hg19) VCF-style: chrX-128701307-A-G.
Other names: NC_000023.10:g.128701307A>G; c.1436A>G, p.Lys479Arg (NM_001318784.2); c.1433A>G, p.Lys478Arg (NM_001587.4); short protein forms K478R, K479R.
Identifiers: ClinVar variation 3776436 (VCV003776436.3).

ClinVar aggregate classification (germline): Uncertain significance. Review status: criteria provided, multiple submitters, no conflicts (2 of 4 stars). 2 submissions from 2 submitters: Uncertain significance (2). Last evaluated 2024-11-14.

Conditions:
Lowe syndrome (OCRL). Also called: LOWE OCULOCEREBRORENAL SYNDROME; PHOSPHATIDYLINOSITOL 4,5-BISPHOSPHATE 5-PHOSPHATASE DEFICIENCY; Oculocerebrorenal Syndrome. Identifiers: Orphanet 534, MedGen C0028860, MONDO:0010645, OMIM 309000.

Submissions (4):

3billion
Classification: Uncertain significance for Lowe syndrome. Last evaluated: 2024-11-14. Review status: criteria provided, single submitter. Criteria: ACMG Guidelines, 2015. Collection method: clinical testing. Allele origin: germline. Affected: yes.
Comment: The variant is not observed in the gnomAD v4.1.0 dataset. Predicted Consequence/Location: Missense variant In silico tool predictions suggest damaging effect of the variant on gene or gene product [REVEL: 0.87 (>=0.6, sensitivity 0.68 and specificity 0.92); 3Cnet: 0.99 (>=0.6, sensitivity 0.72 and precision 0.9)]. Therefore, this variant is classified as VUS according to the recommendation of ACMG/AMP guideline.

GeneDx
Classification: Uncertain significance. Last evaluated: 2024-09-24. Review status: criteria provided, single submitter. Criteria: GeneDx Variant Classification Process June 2021. Collection method: clinical testing. Allele origin: germline. Affected: yes.
Comment: Not observed at significant frequency in large population cohorts (gnomAD); In silico analysis supports that this missense variant has a deleterious effect on protein structure/function; In silico analysis supports a deleterious effect on splicing; Has not been previously published as pathogenic or benign to our knowledge

Dr. Peter K. Rogan Lab, Western University
No classification provided (evidence only). Condition: Nonpapillary renal cell carcinoma. Review status: no classification provided. Collection method: in vitro. Allele origin: not applicable. Functional consequence: retained intron. Not counted in ClinVar's aggregate classification.

Dr. Peter K. Rogan Lab, Western University
No classification provided (evidence only). Condition: Nonpapillary renal cell carcinoma. Review status: no classification provided. Collection method: in vitro. Allele origin: not applicable. Functional consequence: retained intron. Not counted in ClinVar's aggregate classification.